The following is an entry in ClinVar:

NM_001323289.2(CDKL5):c.37T>A (p.Phe13Ile)

Gene: CDKL5 (cyclin dependent kinase like 5; plus strand). Cytogenetic location: Xp22.13.
Variant type: single nucleotide variant.
Coding change: c.37T>A on transcript NM_001323289.2 (MANE Select); coding-DNA position 37, T replaced by A.
Protein change: p.Phe13Ile; replaces phenylalanine 13 with isoleucine.
Molecular consequence: missense variant.
Genome position (GRCh38, 1-based): chrX:18,507,133, T>A. VCF-style: chrX-18507133-T-A. GRCh37 (hg19) VCF-style: chrX-18525253-T-A.
Other names: c.37T>A, p.Phe13Ile (NM_001037343.2, NM_003159.3); short protein forms F13I.
Identifiers: ClinVar variation 1338985 (VCV001338985.2), dbSNP rs2147092100, ClinGen allele CA412489560.

ClinVar aggregate classification (germline): Uncertain significance (1 of 4 stars; one submission).

Conditions:
Developmental and epileptic encephalopathy, 2 (DEE2). Also called: INFANTILE SPASM SYNDROME, X-LINKED 2; CDKL5 deficiency disorder. Identifiers: Orphanet 1934, Orphanet 3451, Orphanet 505652, MedGen C4750718, MONDO:0010396, OMIM 300672.

Submission:

Neuberg Centre For Genomic Medicine, NCGM
Classification: Uncertain significance for Developmental and epileptic encephalopathy, 2. Review status: criteria provided, single submitter. Criteria: ACMG Guidelines, 2015. Collection method: clinical testing. Allele origin: germline. Affected: yes.
Comment: The missense variant p.F13I in CDKL5 (NM_003159.3) has not been reported previously as a pathogenic variant nor as a benign variant, to our knowledge. Another missense variant affecting the same residue F13S has been classified as a variant of uncertain significance in the RettDatabase. The p.F13I variant is novel (not in any individuals) in gnomAD Exomes and is novel (not in any individuals) in 1000 Genomes. The p.F13I missense variant is predicted to be damaging by both SIFT and PolyPhen2. The phenylalanine residue at codon 13 of CDKL5 is conserved in all mammalian species. The nucleotide c.37 in CDKL5 is predicted conserved by GERP++ and PhyloP across 100 vertebrates. For these reasons, this variant has been classified as Uncertain Significance.